The following is an entry in ClinVar:

NM_006214.4(PHYH):c.124C>G (p.Gln42Glu)

Gene: PHYH (phytanoyl-CoA 2-hydroxylase; minus strand). Cytogenetic location: 10p13.
Variant type: single nucleotide variant.
Coding change: c.124C>G on transcript NM_006214.4 (MANE Select); coding-DNA position 124, C replaced by G.
Protein change: p.Gln42Glu; replaces glutamine 42 with glutamic acid.
Molecular consequence: missense variant. On other transcripts: 5 prime UTR variant (1), intron variant (2).
Genome position (GRCh38, 1-based): chr10:13,298,197, G>C on the plus strand (C>G on the coding strand, the complement: PHYH is on the minus strand). VCF-style: chr10-13298197-G-C. GRCh37 (hg19) VCF-style: chr10-13340197-G-C.
Other names: c.-177C>G (NM_001323080.2); c.124C>G, p.Gln42Glu (NM_001323082.2, NM_001323083.2); c.-167+1223C>G (NM_001037537.2, NM_001323084.2); short protein forms Q42E.
Identifiers: ClinVar variation 2157039 (VCV002157039.3), dbSNP rs759970314, ClinGen allele CA5412485.
Genomic context (GRCh38, chr10:13,298,197, plus strand): 5'-AAACTTTTATATACATAATATATTTCAAAATCAAAACTCAAACTACTTACTGGAATTGTT[G>C]AGGATGGAAACTGGCAGAGGAAATAGTCCCTGAAGTGGGATGAGCTACCTAGGATGTGAA-3'
Protein context (NP_006205.1, residues 32-52): GTISSASFHP[Gln42Glu]QFQYTLDNNV

ClinVar aggregate classification (germline): Uncertain significance. Review status: criteria provided, multiple submitters, no conflicts (2 of 4 stars). 2 submissions from 2 submitters: Uncertain significance (2). Last evaluated 2025-03-17.

Allele frequency attached by ClinVar (database versions not stated): gnomAD exomes 0.00004.
gnomAD v4.1: 62 of 1,601,046 alleles (0.0039%); highest among the groups gnomAD compares: Non-Finnish European, 0.0051%; no homozygotes.

Submissions (2):

Labcorp Genetics (formerly Invitae), Labcorp
Classification: Uncertain significance. Last evaluated: 2025-03-17. Review status: criteria provided, single submitter. Criteria: Invitae Variant Classification Sherloc (09022015). Collection method: clinical testing. Allele origin: germline.
Comment: This sequence change replaces glutamine, which is neutral and polar, with glutamic acid, which is acidic and polar, at codon 42 of the PHYH protein (p.Gln42Glu). This variant is present in population databases (rs759970314, gnomAD 0.005%). This variant has not been reported in the literature in individuals affected with PHYH-related conditions. ClinVar contains an entry for this variant (Variation ID: 2157039). An algorithm developed to predict the effect of missense changes on protein structure and function outputs the following: PolyPhen-2: "Benign". The glutamic acid amino acid residue is found in multiple mammalian species, which suggests that this missense change does not adversely affect protein function. In summary, the available evidence is currently insufficient to determine the role of this variant in disease. Therefore, it has been classified as a Variant of Uncertain Significance.

Blueprint Genetics
Classification: Uncertain significance. Last evaluated: 2024-06-25. Review status: criteria provided, single submitter. Criteria: ACMG Guidelines, 2015. Collection method: clinical testing. Allele origin: germline.